The following is an entry in ClinVar:

NM_015978.3(TNNI3K):c.2351G>T (p.Ser784Ile)

Genes: FPGT-TNNI3K (FPGT-TNNI3K readthrough; plus strand), LRRC53 (leucine rich repeat containing 53; minus strand), TNNI3K (TNNI3 interacting kinase; plus strand). Cytogenetic location: 1p31.1.
Variant type: single nucleotide variant.
Coding change: c.2351G>T on transcript NM_015978.3 (MANE Select); coding-DNA position 2351, G replaced by T.
Protein change: p.Ser784Ile; replaces serine 784 with isoleucine.
Molecular consequence: missense variant. On other transcripts: intron variant (2).
Genome position (GRCh38, 1-based): chr1:74,492,266, G>T. VCF-style: chr1-74492266-G-T. GRCh37 (hg19) VCF-style: chr1-74957950-G-T.
Other names: c.2654G>T, p.Ser885Ile (NM_001112808.3); c.-8-11298C>A (NM_001364666.2); c.-26-8891C>A (NM_001382280.1); short protein forms S784I, S885I.
Identifiers: ClinVar variation 1474843 (VCV001474843.8), dbSNP rs145302449, ClinGen allele CA340799566.
Genomic context (GRCh38, chr1:74,492,266, plus strand): 5'-GAAGTCGTTTCGAATTGGAATATGCTCTAAATGCAAGGTCCTATGCTGCTTTGTCCCAAA[G>T]GTGAGTGGTAATATAAGCAAATCTCACAGTAAAGTCTTATTTCAGAATCTTATCAAGACA-3'
Protein context (NP_057062.1, residues 774-794): NARSYAALSQ[Ser784Ile]AGQYSSQGLS

ClinVar aggregate classification (germline): Uncertain significance (1 of 4 stars; one submission).

Submission:

Labcorp Genetics (formerly Invitae), Labcorp
Classification: Uncertain significance. Last evaluated: 2023-01-07. Review status: criteria provided, single submitter. Criteria: Invitae Variant Classification Sherloc (09022015). Collection method: clinical testing. Allele origin: germline.
Comment: This sequence change replaces serine, which is neutral and polar, with isoleucine, which is neutral and non-polar, at codon 784 of the TNNI3K protein (p.Ser784Ile). In summary, the available evidence is currently insufficient to determine the role of this variant in disease. Therefore, it has been classified as a Variant of Uncertain Significance. Algorithms developed to predict the effect of sequence changes on RNA splicing suggest that this variant may disrupt the consensus splice site. Algorithms developed to predict the effect of missense changes on protein structure and function are either unavailable or do not agree on the potential impact of this missense change (SIFT: "Deleterious"; PolyPhen-2: "Benign"; Align-GVGD: "Class C0"). ClinVar contains an entry for this variant (Variation ID: 1474843). This variant has not been reported in the literature in individuals affected with TNNI3K-related conditions. This variant is not present in population databases (gnomAD no frequency).